The following is an entry in ClinVar:

ClinVar aggregate classification (germline): Pathogenic (1 of 4 stars; one submission).

Allele frequency attached by ClinVar (database versions not stated): gnomAD exomes below 0.00001; ExAC 0.00001; TOPMed 0.00001; gnomAD 0.00002.
gnomAD v4.1: 8 of 1,613,874 alleles (0.0005%); highest among the groups gnomAD compares: Non-Finnish European, 0.00059%; no homozygotes.

Submission:

Labcorp Genetics (formerly Invitae), Labcorp
Classification: Pathogenic. Last evaluated: 2024-10-16. Review status: criteria provided, single submitter. Criteria: Invitae Variant Classification Sherloc (09022015). Collection method: clinical testing. Allele origin: germline.
Comment: This sequence change creates a premature translational stop signal (p.Arg3130*) in the VPS13D gene. It is expected to result in an absent or disrupted protein product. Loss-of-function variants in VPS13D are known to be pathogenic (PMID: 29518281). This variant is present in population databases (rs757345929, gnomAD 0.0009%). This variant has not been reported in the literature in individuals affected with VPS13D-related conditions. Algorithms developed to predict the effect of sequence changes on RNA splicing suggest that this variant may disrupt the consensus splice site. For these reasons, this variant has been classified as Pathogenic.

Literature cited by the submitters: PubMed 29518281.

NM_015378.4(VPS13D):c.9388C>T (p.Arg3130Ter)

Gene: VPS13D (vacuolar protein sorting 13 homolog D; plus strand). Cytogenetic location: 1p36.22.
Variant type: single nucleotide variant.
Coding change: c.9388C>T on transcript NM_015378.4 (MANE Select); coding-DNA position 9388, C replaced by T.
Protein change: p.Arg3130Ter; replaces arginine 3130 with a stop codon.
Molecular consequence: nonsense.
Genome position (GRCh38, 1-based): chr1:12,349,331, C>T. VCF-style: chr1-12349331-C-T. GRCh37 (hg19) VCF-style: chr1-12409388-C-T.
Other names: c.9313C>T, p.Arg3105Ter (NM_018156.4); short protein forms R3105*, R3130*.
Identifiers: ClinVar variation 3016121 (VCV003016121.3), dbSNP rs757345929, ClinGen allele CA603412.